The following is an entry in ClinVar:

NM_022051.3(EGLN1):c.1216+6C>T

Gene: EGLN1 (egl-9 family hypoxia inducible factor 1; minus strand). Cytogenetic location: 1q42.2.
Variant type: single nucleotide variant.
Coding change: c.1216+6C>T on transcript NM_022051.3 (MANE Select); 6 bases into the intron after coding-DNA position 1216, C replaced by T.
Molecular consequence: intron variant.
Genome position (GRCh38, 1-based): chr1:231,367,563, G>A on the plus strand (C>T on the coding strand, the complement: EGLN1 is on the minus strand). VCF-style: chr1-231367563-G-A. GRCh37 (hg19) VCF-style: chr1-231503309-G-A.
Other names: c.*41+6C>T (NM_001377261.1); c.1149-1088C>T (NM_001377260.1).
Identifiers: ClinVar variation 840447 (VCV000840447.8), dbSNP rs376628693, ClinGen allele CA1452999.

ClinVar aggregate classification (germline): Uncertain significance. Review status: criteria provided, multiple submitters, no conflicts (2 of 4 stars). 2 submissions from 2 submitters: Uncertain significance (2). Last evaluated 2025-04-30.

Conditions:
Hemoglobin, high altitude adaptation (HALAH). Identifiers: MedGen C1836778, OMIM 609070.
Erythrocytosis, familial, 3 (ECYT3). Identifiers: Orphanet 247511, MedGen C1853286, MONDO:0012353, OMIM 609820.

Allele frequency attached by ClinVar (database versions not stated): gnomAD 0.00001; TOPMed 0.00001; ExAC 0.00002; gnomAD exomes 0.00002; ESP Exome Variant Server 0.00008; 1000 Genomes Project 30x 0.00016; 1000 Genomes Project 0.00020.
gnomAD v4.1: 31 of 1,613,774 alleles (0.0019%); highest among the groups gnomAD compares: Non-Finnish European, 0.0023%; no homozygotes.

Submissions (2):

Labcorp Genetics (formerly Invitae), Labcorp
Classification: Uncertain significance for Erythrocytosis, familial, 3. Last evaluated: 2025-04-30. Review status: criteria provided, single submitter. Criteria: Invitae Variant Classification Sherloc (09022015). Collection method: clinical testing. Allele origin: germline.
Comment: This sequence change falls in intron 4 of the EGLN1 gene. It does not directly change the encoded amino acid sequence of the EGLN1 protein. It affects a nucleotide within the consensus splice site. This variant is present in population databases (rs376628693, gnomAD 0.005%). This variant has not been reported in the literature in individuals affected with EGLN1-related conditions. ClinVar contains an entry for this variant (Variation ID: 840447). Variants that disrupt the consensus splice site are a relatively common cause of aberrant splicing (PMID: 17576681, 9536098). Algorithms developed to predict the effect of sequence changes on RNA splicing suggest that this variant is not likely to affect RNA splicing. In summary, the available evidence is currently insufficient to determine the role of this variant in disease. Therefore, it has been classified as a Variant of Uncertain Significance.

Fulgent Genetics
Classification: Uncertain significance for Hemoglobin, high altitude adaptation; Erythrocytosis, familial, 3. Last evaluated: 2024-03-26. Review status: criteria provided, single submitter. Criteria: ACMG Guidelines, 2015. Collection method: clinical testing. Allele origin: germline.

Literature cited by the submitters: PubMed 17576681 (cited by Labcorp Genetics (formerly Invitae), Labcorp); PubMed 9536098 (cited by Labcorp Genetics (formerly Invitae), Labcorp).